The following is an entry in ClinVar:

ClinVar aggregate classification (germline): Uncertain significance (1 of 4 stars; one submission).

Conditions:
Malignant hyperthermia, susceptibility to, 1 (MHS1). Also called: Anesthesia related hyperthermia; Malignant hyperpyrexia; Fulminating hyperpyrexia; Pharmacogenic myopathy; RYR1-Related Malignant Hyperthermia Susceptibility; Malignant hyperthermia suceptibility 1. Identifiers: Orphanet 423, MedGen C2930980, MONDO:0007783, OMIM 145600.

gnomAD v4.1: 2 of 1,614,048 alleles (0.00012%); highest among the groups gnomAD compares: Non-Finnish European, 0.00017%; no homozygotes.

Submission:

All of Us Research Program, National Institutes of Health
Classification: Uncertain significance for Malignant hyperthermia, susceptibility to, 1. Last evaluated: 2023-04-27. Review status: criteria provided, single submitter. Criteria: ACMG Guidelines, 2015. Collection method: clinical testing. Allele origin: germline. Inheritance: Autosomal dominant inheritance. Observed: 1 variant allele, 1 heterozygote.
Comment: This study involves interpretation of variants in research participants for the purpose of population health screening. Participant phenotype was not available at the time of variant classification. Additional details can be found in publication PMID: 35346344, PMCID: PMC8962531

NM_000540.3(RYR1):c.1172G>C (p.Arg391Pro)

Gene: RYR1 (ryanodine receptor 1; plus strand). Cytogenetic location: 19q13.2.
Variant type: single nucleotide variant.
Coding change: c.1172G>C on transcript NM_000540.3 (MANE Select); coding-DNA position 1172, G replaced by C.
Protein change: p.Arg391Pro; replaces arginine 391 with proline.
Molecular consequence: missense variant.
Genome position (GRCh38, 1-based): chr19:38,451,813, G>C. VCF-style: chr19-38451813-G-C. GRCh37 (hg19) VCF-style: chr19-38942453-G-C.
Other names: c.1172G>C, p.Arg391Pro (NM_001042723.2); short protein forms R391P.
Identifiers: ClinVar variation 3070570 (VCV003070570.1), dbSNP rs769387053, ClinGen allele CA405683713.
Genomic context (GRCh38, chr19:38,451,813, plus strand): 5'-CCCACTCCTAGGCCATGCTGCACCAGGAGGGCCACATGGACGACGCACTGTCGCTGACCC[G>C]CTGCCAGCAGGAGGAGTCCCAGGCCGCCCGCATGATCCACAGCACCAATGGCCTATACAA-3'
Protein context (NP_000531.2, residues 381-401): GHMDDALSLT[Arg391Pro]CQQEESQAAR